The following is an entry in ClinVar:

NM_000051.4(ATM):c.2561C>T (p.Ser854Phe)

Gene: ATM (ATM serine/threonine kinase; plus strand). Cytogenetic location: 11q22.3.
Variant type: single nucleotide variant.
Coding change: c.2561C>T on transcript NM_000051.4 (MANE Select); coding-DNA position 2561, C replaced by T.
Protein change: p.Ser854Phe; replaces serine 854 with phenylalanine.
Molecular consequence: missense variant.
Genome position (GRCh38, 1-based): chr11:108,267,265, C>T. VCF-style: chr11-108267265-C-T. GRCh37 (hg19) VCF-style: chr11-108137992-C-T.
Other names: c.2561C>T, p.Ser854Phe (NM_001351834.2); short protein forms S854F.
Identifiers: ClinVar variation 1793122 (VCV001793122.2), dbSNP rs778123895, ClinGen allele CA382543803.

ClinVar aggregate classification (germline): Uncertain significance (1 of 4 stars; one submission).

Conditions:
Hereditary cancer-predisposing syndrome. Also called: Tumor predisposition; Hereditary Cancer Syndrome; Neoplastic Syndromes, Hereditary; Hereditary neoplastic syndrome. Identifiers: Orphanet 140162, MedGen C0027672, MeSH D009386, MONDO:0015356.

Submission:

Ambry Genetics
Classification: Uncertain significance for Hereditary cancer-predisposing syndrome. Last evaluated: 2021-08-19. Review status: criteria provided, single submitter. Criteria: Ambry Variant Classification Scheme 2023. Collection method: clinical testing. Allele origin: germline.
Comment: The p.S854F variant (also known as c.2561C>T), located in coding exon 16 of the ATM gene, results from a C to T substitution at nucleotide position 2561. The serine at codon 854 is replaced by phenylalanine, an amino acid with highly dissimilar properties. This amino acid position is not well conserved in available vertebrate species. In addition, this alteration is predicted to be tolerated by in silico analysis. Since supporting evidence is limited at this time, the clinical significance of this alteration remains unclear.